The following is an entry in ClinVar:

ClinVar aggregate classification (germline): Likely benign (0 of 4 stars; one submission).

Conditions:
TBX18-related disorder. Also called: TBX18-related condition.

Allele frequency attached by ClinVar (database versions not stated): TOPMed 0.00001; gnomAD 0.00003.
gnomAD v4.1: 37 of 1,614,032 alleles (0.0023%); highest among the groups gnomAD compares: South Asian, 0.033%; no homozygotes.

Submission:

PreventionGenetics, part of Exact Sciences
Classification: Likely benign for TBX18-related condition. Last evaluated: 2023-06-20. Review status: no assertion criteria provided. Collection method: clinical testing. Allele origin: germline.
Comment: This variant is classified as likely benign based on ACMG/AMP sequence variant interpretation guidelines (Richards et al. 2015 PMID: 25741868, with internal and published modifications).

NM_001080508.3(TBX18):c.1377C>T (p.Gly459=)

Gene: TBX18 (T-box transcription factor 18; minus strand). Cytogenetic location: 6q14.3.
Variant type: single nucleotide variant.
Coding change: c.1377C>T on transcript NM_001080508.3 (MANE Select); coding-DNA position 1377, C replaced by T.
Protein change: p.Gly459=; no amino-acid change (glycine 459 retained).
Molecular consequence: synonymous variant.
Genome position (GRCh38, 1-based): chr6:84,737,132, G>A on the plus strand (C>T on the coding strand, the complement: TBX18 is on the minus strand). VCF-style: chr6-84737132-G-A. GRCh37 (hg19) VCF-style: chr6-85446850-G-A.
Identifiers: ClinVar variation 3030690 (VCV003030690.2), dbSNP rs956448415, ClinGen allele CA142019188.
Genomic context (GRCh38, chr6:84,737,132, plus strand): 5'-GCTGAAGGTGTCCCCATCAGTGCCACCCATGGACATGTTCACGGAGGTGCTGCTGCTCAC[G>A]CCCACATAGGAGGGAGTCCTGGGCGGGGCAAAGGTCTCACCAGCCTGGTTGGTGAGCCTG-3'
Protein context (NP_001073977.1, residues 449-469): FAPPRTPSYV[Gly459=]VSSSTSVNMS